The following is an entry in ClinVar:

NM_000551.4(VHL):c.199A>C (p.Asn67His)

Gene: VHL (von Hippel-Lindau tumor suppressor; plus strand). Cytogenetic location: 3p25.3.
Variant type: single nucleotide variant.
Coding change: c.199A>C on transcript NM_000551.4 (MANE Select); coding-DNA position 199, A replaced by C.
Protein change: p.Asn67His; replaces asparagine 67 with histidine.
Molecular consequence: missense variant.
Genome position (GRCh38, 1-based): chr3:10,142,046, A>C. VCF-style: chr3-10142046-A-C. GRCh37 (hg19) VCF-style: chr3-10183730-A-C.
Other names: c.199A>C, p.Asn67His (NM_001354723.2, NM_198156.3); short protein forms N67H.
Identifiers: ClinVar variation 419821 (VCV000419821.12), dbSNP rs1064794129, ClinGen allele CA16617785.

ClinVar aggregate classification (germline): Conflicting classifications of pathogenicity. Review status: criteria provided, conflicting classifications (1 of 4 stars). 5 submissions from 5 submitters: Uncertain significance (4); Likely benign (1). Last evaluated 2026-05-05.

Conditions:
Chuvash polycythemia. Also called: POLYCYTHEMIA, VHL-DEPENDENT. Identifiers: Orphanet 238557, MedGen C1837915, MONDO:0009892, OMIM 263400.
Von Hippel-Lindau syndrome (VHLS). Also called: von Hippel–Lindau syndrome; VHL syndrome; Von Hippel-Lindau. Identifiers: Orphanet 892, MedGen C0019562, MONDO:0008667, OMIM 193300. Disease mechanism: loss of function.
Hereditary cancer-predisposing syndrome. Also called: Hereditary Cancer Syndrome; Tumor predisposition; Hereditary neoplastic syndrome; Neoplastic Syndromes, Hereditary. Identifiers: Orphanet 140162, MedGen C0027672, MeSH D009386, MONDO:0015356.

Allele frequency attached by ClinVar (database versions not stated): gnomAD exomes below 0.00001.
gnomAD v4.1: 1 of 1,604,304 alleles (0.000062%); highest among the groups gnomAD compares: Admixed American, 0.0017%; no homozygotes.

Submissions (5):

Ambry Genetics
Classification: Likely benign for Hereditary cancer-predisposing syndrome. Last evaluated: 2026-05-05. Review status: criteria provided, single submitter. Criteria: Ambry Variant Classification Scheme 2023. Collection method: clinical testing. Allele origin: germline.

Labcorp Genetics (formerly Invitae), Labcorp
Classification: Uncertain significance for Von Hippel-Lindau syndrome; Chuvash polycythemia. Last evaluated: 2026-01-26. Review status: criteria provided, single submitter. Criteria: Invitae Variant Classification Sherloc (09022015). Collection method: clinical testing. Allele origin: germline.
Comment: This sequence change replaces asparagine, which is neutral and polar, with histidine, which is basic and polar, at codon 67 of the VHL protein (p.Asn67His). This variant is present in population databases (no rsID available, gnomAD 0.003%). This variant has not been reported in the literature in individuals affected with VHL-related conditions. ClinVar contains an entry for this variant (Variation ID: 419821). Invitae Evidence Modeling of protein sequence and biophysical properties (such as structural, functional, and spatial information, amino acid conservation, physicochemical variation, residue mobility, and thermodynamic stability) indicates that this missense variant is expected to disrupt VHL protein function with a positive predictive value of 95%. In summary, the available evidence is currently insufficient to determine the role of this variant in disease. Therefore, it has been classified as a Variant of Uncertain Significance.

All of Us Research Program, National Institutes of Health
Classification: Uncertain significance for Von Hippel-Lindau syndrome. Last evaluated: 2024-03-24. Review status: criteria provided, single submitter. Criteria: ACMG Guidelines, 2015. Collection method: clinical testing. Allele origin: germline. Inheritance: Autosomal dominant inheritance. Observed: 1 variant allele, 1 heterozygote.
Comment: This missense variant replaces asparagine with histidine at codon 67 of the VHL protein. Computational prediction is inconclusive regarding the impact of this variant on protein structure and function. To our knowledge, functional studies have not been reported for this variant. This variant has not been reported in individuals affected with VHL-related disorders in the literature. This variant has been identified in 1/225040 chromosomes in the general population by the Genome Aggregation Database (gnomAD). The available evidence is insufficient to determine the role of this variant in disease conclusively. Therefore, this variant is classified as a Variant of Uncertain Significance.

This study involves interpretation of variants in research participants for the purpose of population health screening. Participant phenotype was not available at the time of variant classification. Additional details can be found in publication PMID: 35346344, PMCID: PMC8962531

Color Diagnostics, LLC DBA Color Health
Classification: Uncertain significance for Von Hippel-Lindau syndrome. Last evaluated: 2024-01-25. Review status: criteria provided, single submitter. Criteria: ACMG Guidelines, 2015. Collection method: clinical testing. Allele origin: germline.
Comment: This missense variant replaces asparagine with histidine at codon 67 of the VHL protein. Computational prediction is inconclusive regarding the impact of this variant on protein structure and function. To our knowledge, functional studies have not been reported for this variant. This variant has not been reported in individuals affected with VHL-related disorders in the literature. This variant has been identified in 1/225040 chromosomes in the general population by the Genome Aggregation Database (gnomAD). The available evidence is insufficient to determine the role of this variant in disease conclusively. Therefore, this variant is classified as a Variant of Uncertain Significance.

GeneDx
Classification: Uncertain significance. Last evaluated: 2015-09-09. Review status: criteria provided, single submitter. Criteria: GeneDx Variant Classification (06012015). Collection method: clinical testing. Allele origin: germline. Affected: yes.
Comment: This variant is denoted VHL c.199A>C at the cDNA level, p.Asn67His (N67H) at the protein level, and results in the change of an Asparagine to a Histidine (AAC>CAC). Although this variant has not, to our knowledge, been published in the literature as pathogenic or benign, several studies suggest that the Asn67 residue may be important for protein structure and binding (Miller 2005, Buckley 2012, Galdeano 2014). VHL Asn67His was not observed in approximately 6,500 individuals of European and African American ancestry in the NHLBI Exome Sequencing Project, indicating it is not a common benign variant in these populations. Since Asparagine and Histidine differ in some properties, this is considered a semi-conservative amino acid substitution. VHL Asn67His occurs at a position that is conserved across species and is located in the Beta domain (Yuen 2009). In silico analyses are inconsistent regarding the effect this variant may have on protein structure and function. Based on currently available information, it is unclear whether VHL Asn67His is pathogenic or benign. We consider it to be a variant of uncertain significance.

Literature cited by the submitters: PubMed 38969834 (cited by Ambry Genetics).